The following is an entry in ClinVar:

ClinVar aggregate classification (germline): Likely benign. Review status: criteria provided, multiple submitters, no conflicts (2 of 4 stars). 5 submissions from 5 submitters: Likely benign (5). Last evaluated 2024-09-23.

Conditions:
Hypertrophic cardiomyopathy. Also called: HYPERTROPHIC MYOCARDIOPATHY. Identifiers: Orphanet 217569, MedGen C0007194, MeSH D002312, MONDO:0005045, HP:0001639.
Cardiovascular phenotype. Identifiers: MedGen CN230736.
Cardiomyopathy (CMYO). Also called: Cardiomyopathies. Identifiers: Orphanet 167848, MedGen C0878544, MONDO:0004994, HP:0001638. Inheritance: Various modes of inheritance.

Submissions (5):

Labcorp Genetics (formerly Invitae), Labcorp
Classification: Likely benign for Hypertrophic cardiomyopathy. Last evaluated: 2024-09-23. Review status: criteria provided, single submitter. Criteria: Invitae Variant Classification Sherloc (09022015). Collection method: clinical testing. Allele origin: germline.

All of Us Research Program, National Institutes of Health
Classification: Likely benign for Cardiomyopathy. Last evaluated: 2023-02-24. Review status: criteria provided, single submitter. Criteria: ACMG Guidelines, 2015. Collection method: clinical testing. Allele origin: germline. Inheritance: Autosomal dominant inheritance. Observed: 1 variant allele, 1 heterozygote.
Comment: This study involves interpretation of variants in research participants for the purpose of population health screening. Participant phenotype was not available at the time of variant classification. Additional details can be found in publication PMID: 35346344, PMCID: PMC8962531

CHEO Genetics Diagnostic Laboratory, Children's Hospital of Eastern Ontario
Classification: Likely benign for Cardiomyopathy. Last evaluated: 2023-02-24. Review status: criteria provided, single submitter. Criteria: ACMG Guidelines, 2015. Collection method: clinical testing. Allele origin: germline.

Ambry Genetics
Classification: Likely benign for Cardiovascular phenotype. Last evaluated: 2021-07-29. Review status: criteria provided, single submitter. Criteria: Ambry Variant Classification Scheme 2023. Collection method: clinical testing. Allele origin: germline.

Color Diagnostics, LLC DBA Color Health
Classification: Likely benign for Cardiomyopathy. Last evaluated: 2020-12-02. Review status: criteria provided, single submitter. Criteria: ACMG Guidelines, 2015. Collection method: clinical testing. Allele origin: germline.

NM_000257.4(MYH7):c.1062C>A (p.Gly354=)

Gene: MYH7 (myosin heavy chain 7; minus strand). Cytogenetic location: 14q11.2.
Variant type: single nucleotide variant.
Coding change: c.1062C>A on transcript NM_000257.4 (MANE Select); coding-DNA position 1062, C replaced by A.
Protein change: p.Gly354=; no amino-acid change (glycine 354 retained).
Molecular consequence: synonymous variant.
Genome position (GRCh38, 1-based): chr14:23,429,851, G>T on the plus strand (C>A on the coding strand, the complement: MYH7 is on the minus strand). VCF-style: chr14-23429851-G-T. GRCh37 (hg19) VCF-style: chr14-23899060-G-T.
Other names: c.1062C>A (NM_000257.2).
Identifiers: ClinVar variation 1171372 (VCV001171372.8), dbSNP rs735712, ClinGen allele CA485625909.
Genomic context (GRCh38, chr14:23,429,851, plus strand): 5'-CTCCGCCTGCTCCTCCCGCTGCTTCAGCTTGAACTTCATGTTTCCAAAGTGCATGATGGC[G>T]CCTGTCAGCTTATACATGGAGTTTTTCTCCTCTGAAGTGAAGCCCAGCACATCAAAAGCG-3'
Protein context (NP_000248.2, residues 344-364): EEKNSMYKLT[Gly354=]AIMHFGNMKF